The following is an entry in ClinVar:

ClinVar aggregate classification (germline): Benign/Likely benign. Review status: criteria provided, multiple submitters, no conflicts (2 of 4 stars). 3 submissions from 3 submitters: Benign (1); Likely benign (1). 1 of the submissions does not count toward it. Last evaluated 2024-11-01.

Conditions:
TBCD-related disorder. Also called: TBCD-related condition.

Allele frequency attached by ClinVar (database versions not stated): gnomAD exomes 0.00013; ExAC 0.00042; TOPMed 0.00060; gnomAD 0.00069 and 0.00072; ESP Exome Variant Server 0.00071; 1000 Genomes Project 30x 0.00078; 1000 Genomes Project 0.00100.
gnomAD v4.1: 162 of 1,542,918 alleles (0.01%); highest among the groups gnomAD compares: African/African-American, 0.21%; 1 homozygote.

Submissions (3):

Blueprint Genetics
Classification: Likely benign. Last evaluated: 2024-11-01. Review status: criteria provided, single submitter. Criteria: ACMG Guidelines, 2015. Collection method: clinical testing. Allele origin: germline.

Labcorp Genetics (formerly Invitae), Labcorp
Classification: Benign. Last evaluated: 2024-05-05. Review status: criteria provided, single submitter. Criteria: Invitae Variant Classification Sherloc (09022015). Collection method: clinical testing. Allele origin: germline.

PreventionGenetics, part of Exact Sciences
Classification: Likely benign for TBCD-related condition. Last evaluated: 2023-11-29. Review status: no assertion criteria provided. Collection method: clinical testing. Allele origin: germline. Not counted in ClinVar's aggregate classification.
Comment: This variant is classified as likely benign based on ACMG/AMP sequence variant interpretation guidelines (Richards et al. 2015 PMID: 25741868, with internal and published modifications).

NM_005993.5(TBCD):c.1095G>T (p.Leu365=)

Gene: TBCD (tubulin folding cofactor D). Cytogenetic location: 17q25.3.
Variant type: single nucleotide variant.
Coding change: c.1095G>T on transcript NM_005993.5 (MANE Select); coding-DNA position 1095, G replaced by T.
Protein change: p.Leu365=; no amino-acid change (leucine 365 retained).
Molecular consequence: synonymous variant.
Genome position (GRCh38, 1-based): chr17:82,807,615, G>T. VCF-style: chr17-82807615-G-T. GRCh37 (hg19) VCF-style: chr17-80765491-G-T.
Identifiers: ClinVar variation 724791 (VCV000724791.13), dbSNP rs372440113, ClinGen allele CA8861894.
Genomic context (GRCh38, chr17:82,807,615, plus strand): 5'-AAACTAGGAACTTTGTGTGGACTCTGTCACGCATCACCTTCCTCTTCCTACAGAGCAGCT[G>T]CTGGTCGGGCTGAAGGACAAGGACACGGTCGTGCGGTGGTCTGCAGCCAAGGGGTAGGTG-3'
Protein context (NP_005984.3, residues 355-375): PEGVERVIEQ[Leu365=]LVGLKDKDTV